The following is an entry in ClinVar:

ClinVar aggregate classification (germline): Uncertain significance (1 of 4 stars; one submission).

Conditions:
Townes syndrome (TBS). Also called: Townes-Brocks syndrome. Identifiers: Orphanet 857, MedGen C0265246, MeSH C536974, MONDO:0007142.

Allele frequency attached by ClinVar (database versions not stated): gnomAD exomes 0.00003; ExAC 0.00006; gnomAD 0.00002; TOPMed 0.00002.
gnomAD v4.1: 41 of 1,614,052 alleles (0.0025%); highest among the groups gnomAD compares: Non-Finnish European, 0.0033%; no homozygotes.

Submission:

Labcorp Genetics (formerly Invitae), Labcorp
Classification: Uncertain significance for Townes syndrome. Last evaluated: 2025-04-02. Review status: criteria provided, single submitter. Criteria: Invitae Variant Classification Sherloc (09022015). Collection method: clinical testing. Allele origin: germline.
Comment: This sequence change replaces serine, which is neutral and polar, with arginine, which is basic and polar, at codon 324 of the SALL1 protein (p.Ser324Arg). This variant is present in population databases (rs764423444, gnomAD 0.01%). This variant has not been reported in the literature in individuals affected with SALL1-related conditions. ClinVar contains an entry for this variant (Variation ID: 2731517). Invitae Evidence Modeling of protein sequence and biophysical properties (such as structural, functional, and spatial information, amino acid conservation, physicochemical variation, residue mobility, and thermodynamic stability) indicates that this missense variant is not expected to disrupt SALL1 protein function with a negative predictive value of 80%. In summary, the available evidence is currently insufficient to determine the role of this variant in disease. Therefore, it has been classified as a Variant of Uncertain Significance.

NM_002968.3(SALL1):c.972C>A (p.Ser324Arg)

Gene: SALL1 (spalt like transcription factor 1; minus strand). Cytogenetic location: 16q12.1.
Variant type: single nucleotide variant.
Coding change: c.972C>A on transcript NM_002968.3 (MANE Select); coding-DNA position 972, C replaced by A.
Protein change: p.Ser324Arg; replaces serine 324 with arginine.
Molecular consequence: missense variant.
Genome position (GRCh38, 1-based): chr16:51,141,250, G>T on the plus strand (C>A on the coding strand, the complement: SALL1 is on the minus strand). VCF-style: chr16-51141250-G-T. GRCh37 (hg19) VCF-style: chr16-51175161-G-T.
Other names: c.681C>A, p.Ser227Arg (NM_001127892.2); short protein forms S227R, S324R.
Identifiers: ClinVar variation 2731517 (VCV002731517.3), dbSNP rs764423444, ClinGen allele CA8053366.
Genomic context (GRCh38, chr16:51,141,250, plus strand): 5'-CAATATGTTCATATTGGGAGAAGAGCCGCTGTTGGATGGAATGATGGTGTTGCCAGAACT[G>T]CTCTGAGGTAGCTGGATTGGGGGTAGCTGTTTCACACCACTAATGCTGGCAGATTGGCTG-3'
Protein context (NP_002959.2, residues 314-334): KQLPPIQLPQ[Ser324Arg]SSGNTIIPSN